The following is an entry in ClinVar:

NM_018398.3(CACNA2D3):c.2104G>A (p.Ala702Thr)

Genes: CACNA2D3 (calcium voltage-gated channel auxiliary subunit alpha2delta 3; plus strand), CACNA2D3-AS1 (CACNA2D3 antisense RNA 1; minus strand). Cytogenetic location: 3p14.3.
Variant type: single nucleotide variant.
Coding change: c.2104G>A on transcript NM_018398.3 (MANE Select); coding-DNA position 2104, G replaced by A.
Protein change: p.Ala702Thr; replaces alanine 702 with threonine.
Molecular consequence: missense variant.
Genome position (GRCh38, 1-based): chr3:54,888,006, G>A. VCF-style: chr3-54888006-G-A. GRCh37 (hg19) VCF-style: chr3-54922033-G-A.
Other names: short protein forms A702T.
Identifiers: ClinVar variation 2633138 (VCV002633138.1), dbSNP rs1235716451, ClinGen allele CA353252247.
Genomic context (GRCh38, chr3:54,888,006, plus strand): 5'-TCCCTCCCAACAGGTGATAAAGAATTGATCCAAGAAGTCCTTTTTGACGCGGTGGTGAGT[G>A]CCCCCATTGAAGCGTATTGGACCAGCCTGGCCCTCAACAAATCTGAGTAAGTGGTTGCAC-3'
Protein context (NP_060868.2, residues 692-712): QEVLFDAVVS[Ala702Thr]PIEAYWTSLA

ClinVar aggregate classification (germline): Uncertain significance (1 of 4 stars; one submission).

Conditions:
CACNA2D3-related disorder. Also called: CACNA2D3-related condition.

Allele frequency attached by ClinVar (database versions not stated): gnomAD exomes below 0.00001.
gnomAD v4.1: 1 of 1,613,906 alleles (0.000062%); highest among the groups gnomAD compares: Admixed American, 0.0017%; no homozygotes.

Submission:

PreventionGenetics, part of Exact Sciences
Classification: Uncertain significance for CACNA2D3-related condition. Last evaluated: 2023-05-19. Review status: criteria provided, single submitter. Criteria: ACMG Guidelines, 2015. Collection method: clinical testing. Allele origin: germline.
Comment: The CACNA2D3 c.2104G>A variant is predicted to result in the amino acid substitution p.Ala702Thr. To our knowledge, this variant has not been reported in the literature or in a large population database, indicating this variant is rare. At this time, the clinical significance of this variant is uncertain due to the absence of conclusive functional and genetic evidence.